The following is an entry in ClinVar:

ClinVar aggregate classification (germline): Uncertain significance (1 of 4 stars; one submission).

Conditions:
Combined immunodeficiency due to OX40 deficiency. Also called: Immunodeficiency 16; OX40 DEFICIENCY. Identifiers: Orphanet 431149, MedGen C3810053, MONDO:0014268, OMIM 615593.

Submission:

Labcorp Genetics (formerly Invitae), Labcorp
Classification: Uncertain significance for Combined immunodeficiency due to OX40 deficiency. Last evaluated: 2025-11-24. Review status: criteria provided, single submitter. Criteria: Invitae Variant Classification Sherloc (09022015). Collection method: clinical testing. Allele origin: germline.
Comment: This sequence change replaces threonine, which is neutral and polar, with isoleucine, which is neutral and non-polar, at codon 273 of the TNFRSF4 protein (p.Thr273Ile). This variant is not present in population databases (gnomAD no frequency). This variant has not been reported in the literature in individuals affected with TNFRSF4-related conditions. An algorithm developed to predict the effect of missense changes on protein structure and function (PolyPhen-2) suggests that this variant is likely to be tolerated. In summary, the available evidence is currently insufficient to determine the role of this variant in disease. Therefore, it has been classified as a Variant of Uncertain Significance.

NM_003327.4(TNFRSF4):c.818C>T (p.Thr273Ile)

Gene: TNFRSF4 (TNF receptor superfamily member 4; minus strand). Cytogenetic location: 1p36.33.
Variant type: single nucleotide variant.
Coding change: c.818C>T on transcript NM_003327.4 (MANE Select); coding-DNA position 818, C replaced by T.
Protein change: p.Thr273Ile; replaces threonine 273 with isoleucine.
Molecular consequence: missense variant.
Genome position (GRCh38, 1-based): chr1:1,211,571, G>A on the plus strand (C>T on the coding strand, the complement: TNFRSF4 is on the minus strand). VCF-style: chr1-1211571-G-A. GRCh37 (hg19) VCF-style: chr1-1146951-G-A.
Other names: c.896C>T, p.Thr299Ile (NM_001410709.1); short protein forms T273I, T299I.
Identifiers: ClinVar variation 4693663 (VCV004693663.1).
Genomic context (GRCh38, chr1:1,211,571, plus strand): 5'-GCTCCAGCCTGGCGGGGCCCAGCGTCCACCTTGGTGGGCCCAGGTCAGATCTTGGCCAGG[G>A]TGGAGTGGGCGTCGGCCTGCTCCTCTTGGATGGGGGTCCGGAAACTGCCTCCCCCTGGGG-3'
Protein context (NP_003318.1, residues 263-277): IQEEQADAHS[Thr273Ile]LAKI